The following is an entry in ClinVar:

ClinVar aggregate classification (germline): Uncertain significance. Review status: criteria provided, multiple submitters, no conflicts (2 of 4 stars). 4 submissions from 4 submitters: Uncertain significance (3). 1 of the submissions does not count toward it. Last evaluated 2024-11-26.

Conditions:
Fanconi anemia complementation group A (FANCA). Also called: Fanconi anemia, group A; FANCA-Related Fanconi Anemia. Identifiers: Orphanet 84, MedGen C3469521, MONDO:0009215, OMIM 227650.
Inborn genetic diseases. Identifiers: MedGen C0950123, MeSH D030342.
Fanconi anemia (FA). Also called: Fanconi's anemia. Identifiers: Orphanet 84, MedGen C0015625, MeSH D005199, MONDO:0019391.

Allele frequency attached by ClinVar (database versions not stated): gnomAD exomes below 0.00001.
gnomAD v4.1: 2 of 1,611,766 alleles (0.00012%); highest among the groups gnomAD compares: Non-Finnish European, 0.000085%; no homozygotes.

Submissions (4):

Ambry Genetics
Classification: Uncertain significance for Inborn genetic diseases. Last evaluated: 2024-11-26. Review status: criteria provided, single submitter. Criteria: Ambry Variant Classification Scheme 2023. Collection method: clinical testing. Allele origin: germline.
Comment: The p.F726L variant (also known as c.2178C>G), located in coding exon 24 of the FANCA gene, results from a C to G substitution at nucleotide position 2178. The phenylalanine at codon 726 is replaced by leucine, an amino acid with highly similar properties. This amino acid position is conserved. In addition, this alteration is predicted to be deleterious by in silico analysis. Based on the available evidence, the clinical significance of this variant remains unclear.

Labcorp Genetics (formerly Invitae), Labcorp
Classification: Uncertain significance for Fanconi anemia. Last evaluated: 2023-12-06. Review status: criteria provided, single submitter. Criteria: Invitae Variant Classification Sherloc (09022015). Collection method: clinical testing. Allele origin: germline.
Comment: This sequence change replaces phenylalanine, which is neutral and non-polar, with leucine, which is neutral and non-polar, at codon 726 of the FANCA protein (p.Phe726Leu). This variant is not present in population databases (gnomAD no frequency). This variant has not been reported in the literature in individuals affected with FANCA-related conditions. ClinVar contains an entry for this variant (Variation ID: 933485). Advanced modeling of protein sequence and biophysical properties (such as structural, functional, and spatial information, amino acid conservation, physicochemical variation, residue mobility, and thermodynamic stability) performed at Invitae indicates that this missense variant is expected to disrupt FANCA protein function with a positive predictive value of 80%. In summary, the available evidence is currently insufficient to determine the role of this variant in disease. Therefore, it has been classified as a Variant of Uncertain Significance.

Fulgent Genetics
Classification: Uncertain significance for Fanconi anemia complementation group A. Last evaluated: 2021-08-03. Review status: criteria provided, single submitter. Criteria: ACMG Guidelines, 2015. Collection method: clinical testing. Allele origin: unknown.

Natera, Inc.
Classification: Uncertain significance for Fanconi anemia. Last evaluated: 2021-08-09. Review status: no assertion criteria provided. Collection method: clinical testing. Allele origin: germline. Not counted in ClinVar's aggregate classification.

NM_000135.4(FANCA):c.2178C>G (p.Phe726Leu)

Gene: FANCA (FA complementation group A; minus strand). Cytogenetic location: 16q24.3.
Variant type: single nucleotide variant.
Coding change: c.2178C>G on transcript NM_000135.4 (MANE Select); coding-DNA position 2178, C replaced by G.
Protein change: p.Phe726Leu; replaces phenylalanine 726 with leucine.
Molecular consequence: missense variant.
Genome position (GRCh38, 1-based): chr16:89,770,608, G>C on the plus strand (C>G on the coding strand, the complement: FANCA is on the minus strand). VCF-style: chr16-89770608-G-C. GRCh37 (hg19) VCF-style: chr16-89837016-G-C.
Other names: c.2178C>G, p.Phe726Leu (NM_001286167.3); short protein forms F726L.
Identifiers: ClinVar variation 933485 (VCV000933485.14), dbSNP rs1163885123, ClinGen allele CA397447275.
Genomic context (GRCh38, chr16:89,770,608, plus strand): 5'-CTGCCCGCGCCTTCACCTCTCCGGGGGAGCGACACTGGAGGCAGCCATCAGGTTCTGACA[G>C]AAAGACGTCAGCAGGAGGTCCACAGCCTGCAGAGACACAGTTCTCATGAGCGTGGTGTCC-3'
Protein context (NP_000126.2, residues 716-736): HMAVDLLLTS[Phe726Leu]CQNLMAASSV